The following is an entry in ClinVar:

NM_000138.5(FBN1):c.6964delinsGG (p.Phe2322fs)

Gene: FBN1 (fibrillin 1; minus strand). Cytogenetic location: 15q21.1.
Variant type: Indel.
Coding change: c.6964delinsGG on transcript NM_000138.5 (MANE Select); coding-DNA position 6964, T replaced by GG.
Protein change: p.Phe2322fs; shifts the reading frame from phenylalanine 2322.
Molecular consequence: frameshift variant.
Genome position (GRCh38, 1-based): chr15:48,428,379, A replaced by CC on the plus strand (T replaced by GG on the coding strand, the reverse complement: FBN1 is on the minus strand). VCF-style: chr15-48428379-A-CC. GRCh37 (hg19) VCF-style: chr15-48720576-A-CC.
Other names: c.6964delinsGG, p.Phe2322fs (NM_001406716.1); short protein forms F2322fs.
Identifiers: ClinVar variation 2691893 (VCV002691893.2), dbSNP rs2505415054, ClinGen allele CA2697548969.

ClinVar aggregate classification (germline): Likely pathogenic (1 of 4 stars; one submission).

Conditions:
Marfan syndrome (MFS). Also called: MARFAN SYNDROME, TYPE I; Marfan syndrome type 1; Marfan's syndrome; Marfan syndrome, classic; FBN1-Related Marfan Syndrome. Identifiers: Orphanet 284963, Orphanet 558, MedGen C0024796, MONDO:0007947, OMIM 154700.

Submission:

Institute of Human Genetics, University of Leipzig Medical Center
Classification: Likely pathogenic for Marfan syndrome. Last evaluated: 2023-12-20. Review status: criteria provided, single submitter. Criteria: ACMG Guidelines, 2015. Collection method: clinical testing. Allele origin: unknown. Inheritance: Autosomal dominant inheritance. Affected: yes.
Comment: Criteria applied: PVS1,PM2_SUP